The following is an entry in ClinVar:

ClinVar aggregate classification (germline): Uncertain significance (1 of 4 stars; one submission).

Submission:

Labcorp Genetics (formerly Invitae), Labcorp
Classification: Uncertain significance. Last evaluated: 2022-05-18. Review status: criteria provided, single submitter. Criteria: Invitae Variant Classification Sherloc (09022015). Collection method: clinical testing. Allele origin: germline.
Comment: In summary, the available evidence is currently insufficient to determine the role of this variant in disease. Therefore, it has been classified as a Variant of Uncertain Significance. Algorithms developed to predict the effect of missense changes on protein structure and function output the following: SIFT: "Deleterious"; PolyPhen-2: "Benign"; Align-GVGD: "Class C0". The methionine amino acid residue is found in multiple mammalian species, which suggests that this missense change does not adversely affect protein function. This variant has not been reported in the literature in individuals affected with TREM2-related conditions. This variant is not present in population databases (gnomAD no frequency). This sequence change replaces valine, which is neutral and non-polar, with methionine, which is neutral and non-polar, at codon 155 of the TREM2 protein (p.Val155Met).

NM_018965.4(TREM2):c.463G>A (p.Val155Met)

Gene: TREM2 (triggering receptor expressed on myeloid cells 2; minus strand). Cytogenetic location: 6p21.1.
Variant type: single nucleotide variant.
Coding change: c.463G>A on transcript NM_018965.4 (MANE Select); coding-DNA position 463, G replaced by A.
Protein change: p.Val155Met; replaces valine 155 with methionine.
Molecular consequence: missense variant.
Genome position (GRCh38, 1-based): chr6:41,159,811, C>T on the plus strand (G>A on the coding strand, the complement: TREM2 is on the minus strand). VCF-style: chr6-41159811-C-T. GRCh37 (hg19) VCF-style: chr6-41127549-C-T.
Other names: c.463G>A, p.Val155Met (NM_001271821.2); short protein forms V155M.
Identifiers: ClinVar variation 1995957 (VCV001995957.3), dbSNP rs2532385356, ClinGen allele CA364058134.